The following is an entry in ClinVar:

ClinVar aggregate classification (germline): Likely benign. Review status: criteria provided, single submitter (1 of 4 stars). 2 submissions from 2 submitters: Likely benign (1). 1 of the submissions does not count toward it. Last evaluated 2025-12-30.

Conditions:
Polycystic kidney disease. Also called: Kidney, Polycystic; Polycystic kidney dysplasia. Identifiers: MedGen C0022680, MeSH D007690, MONDO:0020642, HP:0000113.
PKD1-related disorder. Also called: PKD1-related condition.

Allele frequency attached by ClinVar (database versions not stated): ExAC 0.00006; 1000 Genomes Project 30x 0.00047; 1000 Genomes Project 0.00060.
gnomAD v4.1: 34 of 1,545,998 alleles (0.0022%); highest among the groups gnomAD compares: Admixed American, 0.0039%; no homozygotes.

Submissions (2):

PreventionGenetics, part of Exact Sciences
Classification: Likely benign for PKD1-related condition. Last evaluated: 2025-12-30. Review status: criteria provided, single submitter. Criteria: ACMG Guidelines, 2015. Collection method: clinical testing. Allele origin: germline.
Comment: This variant is classified as likely benign based on ACMG/AMP sequence variant interpretation guidelines (Richards et al. 2015 PMID: 25741868, with internal and published modifications).

Department of Pathology and Laboratory Medicine, Sinai Health System
Classification: Likely benign for Polycystic Kidney disease. Review status: no assertion criteria provided. Collection method: clinical testing. Allele origin: unknown. Affected: yes. Study: The Canadian Open Genetics Repository (COGR). Not counted in ClinVar's aggregate classification.
Comment: The PKD1 p.Thr2341= variant was not identified in the literature nor was it identified in the ClinVar, LOVD 3.0, ADPKD Mutation Database, or PKD1-LOVD databases. The variant was identified in dbSNP (ID: rs555685116) as â€šÃ„ÃºNAâ€šÃ„Ã¹. The variant was identified in control databases in 3 of 141978 chromosomes at a frequency of 0.00002 (Genome Aggregation Database Feb 27, 2017) in the following populations: Latino in 1 of 23922 chromosomes (freq: 0.00004) and European in 2 of 53196 chromosomes (freq: 0.00004), while it was not observed in the African, Other, Ashkenazi Jewish, East Asian, Finnish, or South Asian populations. In addition, we cannot be certain that data from control databases is specific to PKD1 and not from one of the six PKD1 pseudogenes. The p.Thr2341= variant is not expected to have clinical significance because it does not result in a change of amino acid and is not located in a known consensus splice site. In addition, in silico or computational prediction software programs (SpliceSiteFinder, MaxEntScan, NNSPLICE, GeneSplicer) do not predict a difference in splicing. In summary, based on the above information, the clinical significance of this variant cannot be determined with certainty at this time although we would lean towards a more benign role for this variant. This variant is classified as likely benign.

NM_001009944.3(PKD1):c.7023C>T (p.Thr2341=)

Gene: PKD1 (polycystin 1, transient receptor potential channel interacting; minus strand). Cytogenetic location: 16p13.3.
Variant type: single nucleotide variant.
Coding change: c.7023C>T on transcript NM_001009944.3 (MANE Select); coding-DNA position 7023, C replaced by T.
Protein change: p.Thr2341=; no amino-acid change (threonine 2341 retained).
Molecular consequence: synonymous variant.
Genome position (GRCh38, 1-based): chr16:2,107,925, G>A on the plus strand (C>T on the coding strand, the complement: PKD1 is on the minus strand). VCF-style: chr16-2107925-G-A. GRCh37 (hg19) VCF-style: chr16-2157926-G-A.
Other names: c.7023C>T (NM_001009944.2); c.7023C>T, p.Thr2341= (NM_000296.4).
Identifiers: ClinVar variation 997209 (VCV000997209.2), dbSNP rs555685116, ClinGen allele CA7831344.
Genomic context (GRCh38, chr16:2,107,925, plus strand): 5'-GGGGCGGGCGGCACCCACCGTCTGGTTGGTGGCCTCCTCCTTGCGGCCGGCCTTCCACAC[G>A]GTCAGGCTGAAGGTGTACTCCACGCCAGCCGCCAGCCGCTCCCGTGGAATGGTGACCGTG-3'
Protein context (NP_001009944.3, residues 2331-2351): AAGVEYTFSL[Thr2341=]VWKAGRKEEA